The following is an entry in ClinVar:

NM_001130987.2(DYSF):c.5643-11T>G

Gene: DYSF (dysferlin; plus strand). Cytogenetic location: 2p13.2.
Variant type: single nucleotide variant.
Coding change: c.5643-11T>G on transcript NM_001130987.2 (MANE Select); 11 bases into the intron before coding-DNA position 5643, T replaced by G.
Molecular consequence: intron variant.
Genome position (GRCh38, 1-based): chr2:71,669,594, T>G. VCF-style: chr2-71669594-T-G. GRCh37 (hg19) VCF-style: chr2-71896724-T-G.
Other names: c.5619-11T>G (NM_001130979.2); c.5640-11T>G (NM_001130981.2); c.5577-11T>G (NM_001130980.2); c.5589-11T>G (NM_001130978.2); c.5526-11T>G (NM_003494.4); c.5547-11T>G (NM_001130977.2); c.5484-11T>G (NM_001130976.2); c.5622-11T>G (NM_001130982.2); and 5 more.
Identifiers: ClinVar variation 3775612 (VCV003775612.1).

ClinVar aggregate classification (germline): Uncertain significance (1 of 4 stars; one submission).

Conditions:
Autosomal recessive limb-girdle muscular dystrophy type 2B (LGMDR2). Also called: MUSCULAR DYSTROPHY, LIMB-GIRDLE, TYPE 3; Limb-girdle muscular dystrophy, type 2B; MUSCULAR DYSTROPHY, LIMB-GIRDLE, AUTOSOMAL RECESSIVE 2; Limb-Girdle Muscular Dystrophy Type 2B (LGMD2B). Identifiers: Orphanet 268, MedGen C1850889, MONDO:0009676, OMIM 253601.

Submission:

3billion
Classification: Uncertain significance for Autosomal recessive limb-girdle muscular dystrophy type 2B. Last evaluated: 2023-07-14. Review status: criteria provided, single submitter. Criteria: ACMG Guidelines, 2015. Collection method: clinical testing. Allele origin: germline. Affected: yes.
Comment: The variant is not observed in the gnomAD v2.1.1 dataset. Predicted Consequence/Location: Intron variant In silico tools predict the variant to alter splicing and produce an abnormal transcript (SpliceAI: 1.00). Therefore, this variant is classified as VUS according to the recommendation of ACMG/AMP guideline.